The following is an entry in ClinVar:

ClinVar aggregate classification (germline): Likely benign. Review status: criteria provided, multiple submitters, no conflicts (2 of 4 stars). 2 submissions from 2 submitters: Likely benign (2). Last evaluated 2025-11-09.

Conditions:
Tuberous sclerosis 2 (TSC2). Identifiers: Orphanet 805, MedGen C1860707, MONDO:0013199, OMIM 613254.

Allele frequency attached by ClinVar (database versions not stated): gnomAD exomes below 0.00001.
gnomAD v4.1: 1 of 1,607,906 alleles (0.000062%); highest among the groups gnomAD compares: Non-Finnish European, 0.000085%; no homozygotes.

Submissions (2):

Labcorp Genetics (formerly Invitae), Labcorp
Classification: Likely benign for Tuberous sclerosis 2. Last evaluated: 2025-11-09. Review status: criteria provided, single submitter. Criteria: Invitae Variant Classification Sherloc (09022015). Collection method: clinical testing. Allele origin: germline.

Myriad Genetics, Inc.
Classification: Likely benign for Tuberous sclerosis 2. Last evaluated: 2025-05-08. Review status: criteria provided, single submitter. Criteria: Myriad Autosomal Dominant, Autosomal Recessive and X-Linked Classification Criteria (2023). Collection method: clinical testing. Allele origin: unknown.
Comment: This variant is considered likely benign. This variant is intronic and is not expected to impact mRNA splicing.

NM_000548.5(TSC2):c.649-16T>C

Gene: TSC2 (TSC complex subunit 2; plus strand). Cytogenetic location: 16p13.3.
Variant type: single nucleotide variant.
Coding change: c.649-16T>C on transcript NM_000548.5 (MANE Select); 16 bases into the intron before coding-DNA position 649, T replaced by C.
Molecular consequence: intron variant.
Genome position (GRCh38, 1-based): chr16:2,056,628, T>C. VCF-style: chr16-2056628-T-C. GRCh37 (hg19) VCF-style: chr16-2106629-T-C.
Other names: c.649-16T>C (NM_001114382.3, NM_021055.3, NM_001370405.1 and 3 more transcripts); c.538-16T>C (NM_001318827.2); c.49-16T>C (NM_001318831.2); c.502-16T>C (NM_001318829.2); c.682-16T>C (NM_001318832.2).
Identifiers: ClinVar variation 1616296 (VCV001616296.9), dbSNP rs1417361912, ClinGen allele CA620373166.